The following is an entry in ClinVar:

ClinVar aggregate classification (germline): Uncertain significance (1 of 4 stars; one submission).

Submission:

Ambry Genetics
Classification: Uncertain significance. Last evaluated: 2025-07-28. Review status: criteria provided, single submitter. Criteria: Ambry Variant Classification Scheme 2023. Collection method: clinical testing. Allele origin: germline.
Comment: The p.A149P variant (also known as c.445G>C), located in coding exon 1 of the MC1R gene, results from a G to C substitution at nucleotide position 445. The alanine at codon 149 is replaced by proline, an amino acid with highly similar properties. This amino acid position is conserved. In addition, the in silico prediction for this alteration is inconclusive. Based on the available evidence, the clinical significance of this variant remains unclear.

NM_002386.4(MC1R):c.445G>C (p.Ala149Pro)

Gene: MC1R (melanocortin 1 receptor; plus strand). Cytogenetic location: 16q24.3.
Variant type: single nucleotide variant.
Coding change: c.445G>C on transcript NM_002386.4 (MANE Select); coding-DNA position 445, G replaced by C.
Protein change: p.Ala149Pro; replaces alanine 149 with proline.
Molecular consequence: missense variant.
Genome position (GRCh38, 1-based): chr16:89,919,703, G>C. VCF-style: chr16-89919703-G-C. GRCh37 (hg19) VCF-style: chr16-89986111-G-C.
Other names: short protein forms A149P.
Identifiers: ClinVar variation 4104865 (VCV004104865.1).